The following is an entry in ClinVar:

ClinVar aggregate classification (germline): Pathogenic (1 of 4 stars; one submission).

Submission:

Labcorp Genetics (formerly Invitae), Labcorp
Classification: Pathogenic. Last evaluated: 2022-08-28. Review status: criteria provided, single submitter. Criteria: Invitae Variant Classification Sherloc (09022015). Collection method: clinical testing. Allele origin: germline.
Comment: For these reasons, this variant has been classified as Pathogenic. This premature translational stop signal has been observed in individual(s) with CHM-related conditions (PMID: 33691693). This variant is not present in population databases (gnomAD no frequency). This sequence change creates a premature translational stop signal (p.Leu475*) in the CHM gene. It is expected to result in an absent or disrupted protein product. Loss-of-function variants in CHM are known to be pathogenic (PMID: 9067750, 23811034).

Literature cited by the submitters: PubMed 33691693; PubMed 9067750; PubMed 23811034.

NM_000390.4(CHM):c.1424del (p.Ile474_Leu475insTer)

Gene: CHM (CHM Rab escort protein; minus strand). Cytogenetic location: Xq21.2.
Variant type: Deletion.
Coding change: c.1424del on transcript NM_000390.4 (MANE Select); coding-DNA position 1424, one base deleted (T; older notation c.1424delT).
Protein change: p.Ile474_Leu475insTer.
Molecular consequence: nonsense.
Genome position (GRCh38, 1-based): chrX:85,894,274, A deleted on the plus strand (T on the coding strand, the reverse complement: CHM is on the minus strand); the first of 4 consecutive A bases (chrX:85,894,274-85,894,277); deleting any one gives the same sequence. VCF-style (leftmost placement, unchanged base first): chrX-85894273-CA-C. GRCh37 (hg19) VCF-style: chrX-85149278-CA-C.
Other names: c.980del, p.Ile326_Leu327insTer (NM_001320959.1, NM_001362517.1, NM_001362518.2 and 1 more transcripts).
Identifiers: ClinVar variation 2099231 (VCV002099231.4), dbSNP rs2520072012, ClinGen allele CA2580102018.